The following is an entry in ClinVar:

ClinVar aggregate classification (germline): Likely benign. Review status: criteria provided, multiple submitters, no conflicts (2 of 4 stars). 3 submissions from 3 submitters: Likely benign (3). Last evaluated 2025-12-08.

Allele frequency attached by ClinVar (database versions not stated): ExAC 0.00005; gnomAD exomes 0.00008; gnomAD 0.00009; TOPMed 0.00009.
gnomAD v4.1: 134 of 1,609,400 alleles (0.0083%); highest among the groups gnomAD compares: Non-Finnish European, 0.01%; no homozygotes.

Submissions (3):

Labcorp Genetics (formerly Invitae), Labcorp
Classification: Likely benign. Last evaluated: 2025-12-08. Review status: criteria provided, single submitter. Criteria: Invitae Variant Classification Sherloc (09022015). Collection method: clinical testing. Allele origin: germline.

Blueprint Genetics
Classification: Likely benign. Last evaluated: 2024-04-11. Review status: criteria provided, single submitter. Criteria: ACMG Guidelines, 2015. Collection method: clinical testing. Allele origin: germline.

CeGaT Center for Human Genetics Tuebingen
Classification: Likely benign. Last evaluated: 2022-03-01. Review status: criteria provided, single submitter. Criteria: CeGaT Center For Human Genetics Tuebingen Variant Classification Criteria Version 2. Collection method: clinical testing. Allele origin: germline. Affected: yes. Observed: 1 variant allele.
Comment: IFNAR2: BP4, BP7

NM_001289125.3(IFNAR2):c.207G>A (p.Leu69=)

Genes: IFNAR2 (interferon alpha and beta receptor subunit 2; plus strand), IFNAR2-IL10RB (IFNAR2-IL10RB readthrough; plus strand). Cytogenetic location: 21q22.11.
Variant type: single nucleotide variant.
Coding change: c.207G>A on transcript NM_001289125.3 (MANE Select); coding-DNA position 207, G replaced by A.
Protein change: p.Leu69=; no amino-acid change (leucine 69 retained).
Molecular consequence: synonymous variant.
Genome position (GRCh38, 1-based): chr21:33,245,060, G>A. VCF-style: chr21-33245060-G-A. GRCh37 (hg19) VCF-style: chr21-34617365-G-A.
Other names: c.207G>A, p.Leu69= (NM_001289126.2, NM_001289128.2, NM_001385054.1 and 5 more transcripts).
Identifiers: ClinVar variation 2086139 (VCV002086139.29), dbSNP rs753111606, ClinGen allele CA10005580.